The following is an entry in ClinVar:

ClinVar aggregate classification (germline): Uncertain significance (1 of 4 stars; one submission).

Conditions:
Focal segmental glomerulosclerosis 1 (FSGS1). Identifiers: Orphanet 656, MedGen C4551527, MONDO:0011303, OMIM 603278.

gnomAD v4.1: 23 of 1,614,090 alleles (0.0014%); highest among the groups gnomAD compares: Non-Finnish European, 0.0019%; no homozygotes.

Submission:

Victorian Clinical Genetics Services, Murdoch Childrens Research Institute
Classification: Uncertain significance for Focal segmental glomerulosclerosis 1. Last evaluated: 2024-10-09. Review status: criteria provided, single submitter. Criteria: ACMG Guidelines, 2015. Collection method: clinical testing. Allele origin: germline. Inheritance: Autosomal dominant inheritance. Affected: yes.
Comment: Based on the classification scheme VCGS_Germline_v1.3.4, this variant is classified as VUS-3B. Following criteria are met: 0103 - Dominant negative and gain of function are suggested mechanisms of disease in this gene and are associated with glomerulosclerosis, focal segmental, 1, (MIM#603278). Functional analysis of missense variants within the binding domain demonstrates they result in both increased actin binding, and impaired wildtype protein localization with downstream consequences such as protein aggregates and inability to stimulate nuclear transcription. Loss of function is also a potential mechanism of disease for variants within the LXXLL motif (PMID: 10700177, 22351778, 26740551, 26301083). (I) 0107 - This gene is associated with autosomal dominant disease. (I) 0112 - The condition associated with this gene has incomplete penetrance (PMID: 10700177). (I) 0200 - Variant is predicted to result in a missense amino acid change from threonine to serine. (I) 0251 - This variant is heterozygous. (I) 0302 - Variant is present in gnomAD (v2) <0.001 for a dominant condition (2 heterozygotes, 0 homozygotes). (SP) 0502 - Missense variant with conflicting in silico predictions and uninformative conservation. (I) 0600 - Variant is located in the annotated calponin homology (CH) domain (DECIPHER). (I) 0705 - No comparable missense variants have previous evidence for pathogenicity. (I) 0807 - This variant has no previous evidence of pathogenicity. (I) 0905 - No published segregation evidence has been identified for this variant. (I) 1007 - No published functional evidence has been identified for this variant. (I) 1208 - Inheritance information for this variant is not currently available in this individual. (I) Legend: (SP) - Supporting pathogenic, (I) - Information, (SB) - Supporting benign

Literature cited by the submitters: PubMed 10700177; PubMed 22351778; PubMed 26301083; PubMed 26740551.

NM_004924.6(ACTN4):c.665C>G (p.Thr222Ser)

Gene: ACTN4 (actinin alpha 4; plus strand). Cytogenetic location: 19q13.2.
Variant type: single nucleotide variant.
Coding change: c.665C>G on transcript NM_004924.6 (MANE Select); coding-DNA position 665, C replaced by G.
Protein change: p.Thr222Ser; replaces threonine 222 with serine.
Molecular consequence: missense variant.
Genome position (GRCh38, 1-based): chr19:38,709,408, C>G. VCF-style: chr19-38709408-C-G. GRCh37 (hg19) VCF-style: chr19-39200048-C-G.
Other names: c.665C>G, p.Thr222Ser (NM_001322033.2, NM_001411143.1); short protein forms T222S.
Identifiers: ClinVar variation 3377289 (VCV003377289.1).
Genomic context (GRCh38, chr19:38,709,408, plus strand): 5'-ACCCTGCCCTGACGGAGTTCTTGTTGTCCCCACTTGCCTCCTTCTAGGACGACCCTGTCA[C>G]CAACCTGAACAATGCCTTCGAAGTGGCTGAGAAATACCTCGACATCCCCAAGATGCTGGA-3'
Protein context (NP_004915.2, residues 212-232): YDKLRKDDPV[Thr222Ser]NLNNAFEVAE